The following is an entry in ClinVar:

NM_018238.4(AGK):c.1052G>C (p.Arg351Pro)

Gene: AGK (acylglycerol kinase; plus strand). Cytogenetic location: 7q34.
Variant type: single nucleotide variant.
Coding change: c.1052G>C on transcript NM_018238.4 (MANE Select); coding-DNA position 1052, G replaced by C.
Protein change: p.Arg351Pro; replaces arginine 351 with proline.
Molecular consequence: missense variant.
Genome position (GRCh38, 1-based): chr7:141,651,530, G>C. VCF-style: chr7-141651530-G-C. GRCh37 (hg19) VCF-style: chr7-141351330-G-C.
Other names: p.R351P:CGA>CCA; c.1052G>C, p.Arg351Pro (LRG_1251t1); short protein forms R351P.
Identifiers: ClinVar variation 214063 (VCV000214063.1), dbSNP rs374861637, ClinGen allele CA321935.

ClinVar aggregate classification (germline): Likely benign (1 of 4 stars; one submission).

Allele frequency attached by ClinVar (database versions not stated): TOPMed 0.00001; ESP Exome Variant Server 0.00008.
gnomAD v4.1: 13 of 1,614,088 alleles (0.00081%); highest among the groups gnomAD compares: South Asian, 0.0022%; no homozygotes.

Submission:

GeneDx
Classification: Likely benign. Last evaluated: 2013-10-22. Review status: criteria provided, single submitter. Criteria: GeneDx Variant Classification (06012015). Collection method: clinical testing. Allele origin: germline. Affected: yes.
Comment: This variant is considered likely benign or benign based on one or more of the following criteria: it is a conservative change, it occurs at a poorly conserved position in the protein, it is predicted to be benign by multiple in silico algorithms, and/or has population frequency not consistent with disease.